The following is an entry in ClinVar:

ClinVar aggregate classification (germline): Likely benign (0 of 4 stars; one submission).

Conditions:
EPPK1-related disorder. Also called: EPPK1-related condition.

Allele frequency attached by ClinVar (database versions not stated): ExAC 0.00005; gnomAD 0.00005; TOPMed 0.00005; gnomAD exomes 0.00006; 1000 Genomes Project 30x 0.00016; 1000 Genomes Project 0.00020; ESP Exome Variant Server 0.00024.
gnomAD v4.1: 90 of 1,609,050 alleles (0.0056%); highest among the groups gnomAD compares: African/African-American, 0.017%; no homozygotes.

Submission:

PreventionGenetics, part of Exact Sciences
Classification: Likely benign for EPPK1-related condition. Last evaluated: 2021-05-17. Review status: no assertion criteria provided. Collection method: clinical testing. Allele origin: germline.
Comment: This variant is classified as likely benign based on ACMG/AMP sequence variant interpretation guidelines (Richards et al. 2015 PMID: 25741868, with internal and published modifications).

NM_031308.4(EPPK1):c.2739G>A (p.Pro913=)

Gene: EPPK1 (epiplakin 1; minus strand). Cytogenetic location: 8q24.3.
Variant type: single nucleotide variant.
Coding change: c.2739G>A on transcript NM_031308.4 (MANE Select); coding-DNA position 2739, G replaced by A.
Protein change: p.Pro913=; no amino-acid change (proline 913 retained).
Molecular consequence: synonymous variant.
Genome position (GRCh38, 1-based): chr8:143,870,515, C>T on the plus strand (G>A on the coding strand, the complement: EPPK1 is on the minus strand). VCF-style: chr8-143870515-C-T. GRCh37 (hg19) VCF-style: chr8-144944683-C-T.
Identifiers: ClinVar variation 3032013 (VCV003032013.2), dbSNP rs376055418, ClinGen allele CA4922974.